The following is an entry in ClinVar:

NM_173354.5(SIK1):c.1777A>T (p.Thr593Ser)

Gene: SIK1 (salt inducible kinase 1; minus strand). Cytogenetic location: 21q22.3.
Variant type: single nucleotide variant.
Coding change: c.1777A>T on transcript NM_173354.5 (MANE Select); coding-DNA position 1777, A replaced by T.
Protein change: p.Thr593Ser; replaces threonine 593 with serine.
Molecular consequence: missense variant.
Genome position (GRCh38, 1-based): chr21:43,417,742, T>A on the plus strand (A>T on the coding strand, the complement: SIK1 is on the minus strand). VCF-style: chr21-43417742-T-A. GRCh37 (hg19) VCF-style: chr21-44837622-T-A.
Other names: c.1777A>T (NM_173354.3); short protein forms T593S.
Identifiers: ClinVar variation 1051461 (VCV001051461.8), dbSNP rs2146469026, ClinGen allele CA410607315.

ClinVar aggregate classification (germline): Uncertain significance. Review status: criteria provided, multiple submitters, no conflicts (2 of 4 stars). 2 submissions from 2 submitters: Uncertain significance (2). Last evaluated 2025-02-10.

Conditions:
Inborn genetic diseases. Identifiers: MedGen C0950123, MeSH D030342.
Developmental and epileptic encephalopathy, 30 (DEE30). Also called: Epileptic encephalopathy, early infantile, 30. Identifiers: MedGen C4225360, MONDO:0014595, OMIM 616341.

Submissions (2):

Labcorp Genetics (formerly Invitae), Labcorp
Classification: Uncertain significance for Developmental and epileptic encephalopathy, 30. Last evaluated: 2025-02-10. Review status: criteria provided, single submitter. Criteria: Invitae Variant Classification Sherloc (09022015). Collection method: clinical testing. Allele origin: germline.
Comment: This sequence change replaces threonine, which is neutral and polar, with serine, which is neutral and polar, at codon 593 of the SIK1 protein (p.Thr593Ser). This variant is not present in population databases (gnomAD no frequency). This variant has not been reported in the literature in individuals affected with SIK1-related conditions. ClinVar contains an entry for this variant (Variation ID: 1051461). Invitae Evidence Modeling of protein sequence and biophysical properties (such as structural, functional, and spatial information, amino acid conservation, physicochemical variation, residue mobility, and thermodynamic stability) indicates that this missense variant is not expected to disrupt SIK1 protein function with a negative predictive value of 95%. In summary, the available evidence is currently insufficient to determine the role of this variant in disease. Therefore, it has been classified as a Variant of Uncertain Significance.

Ambry Genetics
Classification: Uncertain significance for Inborn genetic diseases. Last evaluated: 2021-11-15. Review status: criteria provided, single submitter. Criteria: Ambry Variant Classification Scheme 2023. Collection method: clinical testing. Allele origin: germline.